The following is an entry in ClinVar:

NM_000094.4(COL7A1):c.5659_5666dup (p.Pro1892fs)

Gene: COL7A1 (collagen type VII alpha 1 chain; minus strand). Cytogenetic location: 3p21.31.
Variant type: Duplication.
Coding change: c.5659_5666dup on transcript NM_000094.4 (MANE Select); coding-DNA positions 5659 to 5666, 8 bases duplicated (GGGCCTCC; older notation c.5659_5666dupGGGCCTCC).
Protein change: p.Pro1892fs; shifts the reading frame from proline 1892.
Molecular consequence: frameshift variant.
Genome position (GRCh38, 1-based): chr3:48,576,710-48,576,717, GGAGGCCC duplicated on the plus strand (GGGCCTCC on the coding strand, the reverse complement: COL7A1 is on the minus strand). VCF-style (leftmost placement, unchanged base first): chr3-48576709-T-TGGAGGCCC. GRCh37 (hg19) VCF-style: chr3-48614142-T-TGGAGGCCC.
Other names: c.5659_5666dupGGGCCTCC (NM_000094.3); short protein forms P1892fs.
Identifiers: ClinVar variation 418886 (VCV000418886.7), dbSNP rs1553855974, ClinGen allele CA16617984.
Genomic context (GRCh38, chr3:48,576,709, plus strand): 5'-AGTCCCAGAATGACCCAGGACACTCACCTGGCCAGGAGGGCCCACTGGCCCTGGGAGGCC[T>TGGAGGCCC]GGAGGCCCCTGGGGTCCAAGGATACCAGGAGCTCCACGCTCACCCTTGGGGCCATCACGA-3'

ClinVar aggregate classification (germline): Pathogenic. Review status: criteria provided, multiple submitters, no conflicts (2 of 4 stars). 3 submissions from 3 submitters: Pathogenic (3). Last evaluated 2025-07-14.

Conditions:
Recessive dystrophic epidermolysis bullosa (RDEB). Also called: Hallopeau-Siemens Disease; EPIDERMOLYSIS BULLOSA DYSTROPHICA, GENERALIZED SEVERE, AUTOSOMAL RECESSIVE; Epidermolysis Bullosa Distrophica Autosomal Recessive (RDEB); epidermolysis bullosa dystrophica, autosomal recessive; Recessive DEB (RDEB); DYSTROPHIC EPIDERMOLYSIS BULLOSA, AUTOSOMAL RECESSIVE. Identifiers: Orphanet 79408, Orphanet 79409, MedGen C0079474, MONDO:0009179, OMIM 226600.

Allele frequency attached by ClinVar (database versions not stated): gnomAD exomes below 0.00001.

Submissions (3):

Myriad Genetics, Inc.
Classification: Pathogenic for Recessive dystrophic epidermolysis bullosa. Last evaluated: 2025-07-14. Review status: criteria provided, single submitter. Criteria: Myriad Autosomal Dominant, Autosomal Recessive and X-Linked Classification Criteria (2023). Collection method: clinical testing. Allele origin: unknown.
Comment: NM_000094.3(COL7A1):c.5659_5666dup8(P1892Qfs*116) is expected to be pathogenic in the context of dystrophic epidermolysis bullosa. This variant is predicted to lead to an abnormal or absent protein product due to the creation of a premature termination codon in COL7A1, a gene where loss-of-function variants are known to be pathogenic. Please note: this variant was assessed in the context of healthy population screening.

Labcorp Genetics (formerly Invitae), Labcorp
Classification: Pathogenic. Last evaluated: 2022-04-22. Review status: criteria provided, single submitter. Criteria: Invitae Variant Classification Sherloc (09022015). Collection method: clinical testing. Allele origin: germline.
Comment: For these reasons, this variant has been classified as Pathogenic. ClinVar contains an entry for this variant (Variation ID: 418886). This variant has not been reported in the literature in individuals affected with COL7A1-related conditions. This variant is not present in population databases (gnomAD no frequency). This sequence change creates a premature translational stop signal (p.Pro1892Glnfs*116) in the COL7A1 gene. It is expected to result in an absent or disrupted protein product. Loss-of-function variants in COL7A1 are known to be pathogenic (PMID: 16971478).

GeneDx
Classification: Pathogenic. Last evaluated: 2015-04-27. Review status: criteria provided, single submitter. Criteria: GeneDx Variant Classification (06012015). Collection method: clinical testing. Allele origin: germline. Affected: yes.
Comment: The c.5659_5666dupGGGCCTCC duplication in the COL7A1 gene has not been reported previously to ourknowledge but numerous other duplication variants in the COL7A1 gene have been reported. Thec.5659_5666dupGGGCCTCC causes a frameshift starting with codon Pro1892, changes this amino acid toa Glutamine residue and creates a premature Stop codon at position 116 of the new reading frame, denotedp.Pro1892GlnfsX116. This variant is predicted to cause loss of normal protein function either throughprotein truncation or nonsense-mediated mRNA decay. Therefore, we interpret this variant as pathogenic.

Literature cited by the submitters: PubMed 16971478 (cited by Labcorp Genetics (formerly Invitae), Labcorp).